The following is an entry in ClinVar:

NM_000038.6(APC):c.2210A>G (p.Tyr737Cys)

Gene: APC (APC regulator of Wnt signaling pathway; plus strand). Cytogenetic location: 5q22.2.
Variant type: single nucleotide variant.
Coding change: c.2210A>G on transcript NM_000038.6 (MANE Select); coding-DNA position 2210, A replaced by G.
Protein change: p.Tyr737Cys; replaces tyrosine 737 with cysteine.
Molecular consequence: missense variant. On other transcripts: non-coding transcript variant (2).
Genome position (GRCh38, 1-based): chr5:112,837,804, A>G. VCF-style: chr5-112837804-A-G. GRCh37 (hg19) VCF-style: chr5-112173501-A-G.
Other names: c.2210A>G, p.Tyr737Cys (NM_001127510.3, NM_001354895.2, NM_001407450.1); c.2156A>G, p.Tyr719Cys (NM_001127511.3); c.2264A>G, p.Tyr755Cys (NM_001354896.2, NM_001407447.1, NM_001407448.1 and 1 more transcripts); c.2240A>G, p.Tyr747Cys (NM_001354897.2); c.2135A>G, p.Tyr712Cys (NM_001354898.2); c.2126A>G, p.Tyr709Cys (NM_001354899.2); c.2087A>G, p.Tyr696Cys (NM_001354900.2); c.2033A>G, p.Tyr678Cys (NM_001354901.2, NM_001407453.1); and 11 more; short protein forms Y454C, Y577C, Y611C, Y608C, Y737C, Y646C, Y654C, Y678C.
Identifiers: ClinVar variation 3635420 (VCV003635420.2).

ClinVar aggregate classification (germline): Uncertain significance (1 of 4 stars; one submission).

Conditions:
Familial adenomatous polyposis 1 (FAP1). Also called: FAMILIAL ADENOMATOUS POLYPOSIS 1, ATTENUATED; POLYPOSIS, ADENOMATOUS INTESTINAL. Identifiers: MedGen C2713442, MONDO:0021056, OMIM 175100. Disease mechanism: loss of function.

Submission:

Labcorp Genetics (formerly Invitae), Labcorp
Classification: Uncertain significance for Familial adenomatous polyposis 1. Last evaluated: 2024-06-18. Review status: criteria provided, single submitter. Criteria: Invitae Variant Classification Sherloc (09022015). Collection method: clinical testing. Allele origin: germline.
Comment: This sequence change replaces tyrosine, which is neutral and polar, with cysteine, which is neutral and slightly polar, at codon 737 of the APC protein (p.Tyr737Cys). This variant is not present in population databases (gnomAD no frequency). This variant has not been reported in the literature in individuals affected with APC-related conditions. Advanced modeling of protein sequence and biophysical properties (such as structural, functional, and spatial information, amino acid conservation, physicochemical variation, residue mobility, and thermodynamic stability) performed at Invitae indicates that this missense variant is not expected to disrupt APC protein function with a negative predictive value of 95%. In summary, the available evidence is currently insufficient to determine the role of this variant in disease. Therefore, it has been classified as a Variant of Uncertain Significance.